The following is an entry in ClinVar:

NM_006059.4(LAMC3):c.1930A>G (p.Ser644Gly)

Gene: LAMC3 (laminin subunit gamma 3; plus strand). Cytogenetic location: 9q34.12.
Variant type: single nucleotide variant.
Coding change: c.1930A>G on transcript NM_006059.4 (MANE Select); coding-DNA position 1930, A replaced by G.
Protein change: p.Ser644Gly; replaces serine 644 with glycine.
Molecular consequence: missense variant.
Genome position (GRCh38, 1-based): chr9:131,052,956, A>G. VCF-style: chr9-131052956-A-G. GRCh37 (hg19) VCF-style: chr9-133928343-A-G.
Other names: short protein forms S644G.
Identifiers: ClinVar variation 1904830 (VCV001904830.5), dbSNP rs1411103317, ClinGen allele CA375264586.

ClinVar aggregate classification (germline): Uncertain significance (1 of 4 stars; one submission).

Allele frequency attached by ClinVar (database versions not stated): gnomAD 0.00001.
gnomAD v4.1: 5 of 1,612,086 alleles (0.00031%); highest among the groups gnomAD compares: South Asian, 0.0033%; no homozygotes.

Submission:

Labcorp Genetics (formerly Invitae), Labcorp
Classification: Uncertain significance. Last evaluated: 2023-08-30. Review status: criteria provided, single submitter. Criteria: Invitae Variant Classification Sherloc (09022015). Collection method: clinical testing. Allele origin: germline.
Comment: In summary, the available evidence is currently insufficient to determine the role of this variant in disease. Therefore, it has been classified as a Variant of Uncertain Significance. Algorithms developed to predict the effect of missense changes on protein structure and function output the following: SIFT: "Not Available"; PolyPhen-2: "Benign"; Align-GVGD: "Not Available". The glycine amino acid residue is found in multiple mammalian species, which suggests that this missense change does not adversely affect protein function. ClinVar contains an entry for this variant (Variation ID: 1904830). This variant has not been reported in the literature in individuals affected with LAMC3-related conditions. This variant is present in population databases (no rsID available, gnomAD 0.007%). This sequence change replaces serine, which is neutral and polar, with glycine, which is neutral and non-polar, at codon 644 of the LAMC3 protein (p.Ser644Gly).